The following is an entry in ClinVar:

NM_014629.4(ARHGEF10):c.1606del (p.Met535_Met536insTer)

Gene: ARHGEF10 (Rho guanine nucleotide exchange factor 10; plus strand). Cytogenetic location: 8p23.3.
Variant type: Deletion.
Coding change: c.1606del on transcript NM_014629.4 (MANE Select); coding-DNA position 1606, one base deleted (A; older notation c.1606delA).
Protein change: p.Met535_Met536insTer.
Molecular consequence: nonsense. On other transcripts: frameshift variant (1).
Genome position (GRCh38, 1-based): chr8:1,898,481, A deleted. VCF-style (leftmost placement, unchanged base first): chr8-1898480-GA-G. GRCh37 (hg19) VCF-style: chr8-1846646-GA-G.
Other names: c.1492del, p.Met497_Met498insTer (NM_001308152.2); c.1606delA, p.Met536Terfs (NM_001308153.3).
Identifiers: ClinVar variation 1709868 (VCV001709868.2), dbSNP rs2537493035, ClinGen allele CA2580077985.

ClinVar aggregate classification (germline): Uncertain significance (1 of 4 stars; one submission).

Conditions:
Autosomal dominant slowed nerve conduction velocity. Identifiers: Orphanet 140481, MedGen C1842357, MONDO:0011998, OMIM 608236.

Submission:

MGZ Medical Genetics Center
Classification: Uncertain significance for Autosomal dominant slowed nerve conduction velocity. Last evaluated: 2021-09-09. Review status: criteria provided, single submitter. Criteria: ACMG Guidelines, 2015. Collection method: clinical testing. Allele origin: germline. Affected: yes. Observed: 1 variant allele.
Comment: ACMG criteria applied: PVS1_MOD, PM2_SUP